The following is an entry in ClinVar:

NM_020639.3(RIPK4):c.1548C>T (p.Asp516=)

Gene: RIPK4 (receptor interacting serine/threonine kinase 4; minus strand). Cytogenetic location: 21q22.3.
Variant type: single nucleotide variant.
Coding change: c.1548C>T on transcript NM_020639.3 (MANE Select); coding-DNA position 1548, C replaced by T.
Protein change: p.Asp516=; no amino-acid change (aspartic acid 516 retained).
Molecular consequence: synonymous variant.
Genome position (GRCh38, 1-based): chr21:41,741,645, G>A on the plus strand (C>T on the coding strand, the complement: RIPK4 is on the minus strand). VCF-style: chr21-41741645-G-A. GRCh37 (hg19) VCF-style: chr21-43161805-G-A.
Identifiers: ClinVar variation 261349 (VCV000261349.11), dbSNP rs2838113, ClinGen allele CA10035277.
Genomic context (GRCh38, chr21:41,741,645, plus strand): 5'-CTCAAAGTCCACCTCGTTGACCGAGGCGTTCTTCTCCAACAGCAGCCGTGTGCTAGACTC[G>A]TCCCCGTTCTGGGCTGCAAAGTGGAGGGCTGTCCACTGGTCCTCATCCTTGGCGTTGACA-3'
Protein context (NP_065690.2, residues 506-526): TALHFAAQNG[Asp516=]ESSTRLLLEK

ClinVar aggregate classification (germline): Benign. Review status: criteria provided, multiple submitters, no conflicts (2 of 4 stars). 5 submissions from 5 submitters: Benign (5). Last evaluated 2021-11-07.

Conditions:
Bartsocas-Papas syndrome 1. Also called: MULTIPLE PTERYGIUM SYNDROME, ASLAN TYPE; Bartsocas-Papas syndrome; PTERYGIUM, POPLITEAL, LETHAL TYPE. Identifiers: Orphanet 1234, MedGen C1849718, MONDO:0009901, OMIM 263650.

Allele frequency attached by ClinVar (database versions not stated): 1000 Genomes Project 30x 0.52280; gnomAD 0.53856 and 0.53199; gnomAD exomes 0.61866 and 0.60771; ESP Exome Variant Server 0.51438; 1000 Genomes Project 0.53095; TOPMed 0.53311; ExAC 0.60198.
gnomAD v4.1: 985,185 of 1,613,212 alleles (61%); highest among the groups gnomAD compares: Middle Eastern, 64%; 305,174 homozygotes.

Submissions (5):

Genome-Nilou Lab
Classification: Benign for Bartsocas-Papas syndrome 1. Last evaluated: 2021-11-07. Review status: criteria provided, single submitter. Criteria: ACMG Guidelines, 2015. Collection method: clinical testing. Allele origin: germline. Affected: no.

GeneDx
Classification: Benign. Last evaluated: 2019-09-05. Review status: criteria provided, single submitter. Criteria: GeneDx Variant Classification Process June 2021. Collection method: clinical testing. Allele origin: germline. Affected: yes.

Illumina Laboratory Services, Illumina
Classification: Benign for Bartsocas-Papas syndrome 1. Last evaluated: 2018-01-13. Review status: criteria provided, single submitter. Criteria: ICSL Variant Classification Criteria 13 December 2019. Collection method: clinical testing. Allele origin: germline.
Comment: This variant was observed in the ICSL laboratory as part of a predisposition screen in an ostensibly healthy population. It had not been previously curated by ICSL or reported in the Human Gene Mutation Database (HGMD: prior to June 1st, 2018), and was therefore a candidate for classification through an automated scoring system. Utilizing variant allele frequency, disease prevalence and penetrance estimates, and inheritance mode, an automated score was calculated to assess if this variant is too frequent to cause the disease. Based on the score and internal cut-off values, a variant classified as benign is not then subjected to further curation. The score for this variant resulted in a classification of benign for this disease.

Breakthrough Genomics
Classification: Benign. Review status: criteria provided, single submitter. Criteria: ACMG Guidelines, 2015. Collection method: not provided. Allele origin: germline. Inheritance: Autosomal recessive inheritance. Affected: yes.

PreventionGenetics, part of Exact Sciences
Classification: Benign. Review status: criteria provided, single submitter. Criteria: ACMG Guidelines, 2015. Collection method: clinical testing. Allele origin: germline.